The following is an entry in ClinVar:

ClinVar aggregate classification (germline): Uncertain significance. Review status: criteria provided, multiple submitters, no conflicts (2 of 4 stars). 3 submissions from 3 submitters: Uncertain significance (2). 1 of the submissions does not count toward it. Last evaluated 2023-11-01.

Conditions:
VPS13B-related disorder. Also called: VPS13B-related condition.
Cohen syndrome (COH1). Also called: PEPPER SYNDROME; Cutis verticis gyrata, retinitis pigmentosa, and sensorineural deafness. Identifiers: Orphanet 193, MedGen C0265223, MONDO:0008999, OMIM 216550.

Allele frequency attached by ClinVar (database versions not stated): TOPMed 0.00001.

Submissions (3):

Revvity Omics, Revvity
Classification: Uncertain significance for Cohen syndrome. Last evaluated: 2023-11-01. Review status: criteria provided, single submitter. Criteria: ACMG Guidelines, 2015. Collection method: clinical testing. Allele origin: germline.

Labcorp Genetics (formerly Invitae), Labcorp
Classification: Uncertain significance for Cohen syndrome. Last evaluated: 2022-03-23. Review status: criteria provided, single submitter. Criteria: Invitae Variant Classification Sherloc (09022015). Collection method: clinical testing. Allele origin: germline.
Comment: This sequence change replaces glycine, which is neutral and non-polar, with glutamic acid, which is acidic and polar, at codon 1258 of the VPS13B protein (p.Gly1258Glu). This variant is not present in population databases (gnomAD no frequency). This variant has not been reported in the literature in individuals affected with VPS13B-related conditions. Algorithms developed to predict the effect of missense changes on protein structure and function are either unavailable or do not agree on the potential impact of this missense change (SIFT: "Not Available"; PolyPhen-2: "Benign"; Align-GVGD: "Not Available"). In summary, the available evidence is currently insufficient to determine the role of this variant in disease. Therefore, it has been classified as a Variant of Uncertain Significance.

PreventionGenetics, part of Exact Sciences
Classification: Uncertain significance for VPS13B-related condition. Last evaluated: 2024-05-01. Review status: no assertion criteria provided. Collection method: clinical testing. Allele origin: germline. Not counted in ClinVar's aggregate classification.
Comment: The VPS13B c.3773G>A variant is predicted to result in the amino acid substitution p.Gly1258Glu. To our knowledge, this variant has not been reported in the literature or in a large population database, indicating this variant is rare. At this time, the clinical significance of this variant is uncertain due to the absence of conclusive functional and genetic evidence.

NM_152564.5(VPS13B):c.3773G>A (p.Gly1258Glu)

Gene: VPS13B (vacuolar protein sorting 13 homolog B; plus strand). Cytogenetic location: 8q22.2.
Variant type: single nucleotide variant.
Coding change: c.3773G>A on transcript NM_152564.5 (MANE Select); coding-DNA position 3773, G replaced by A.
Protein change: p.Gly1258Glu; replaces glycine 1258 with glutamic acid.
Molecular consequence: missense variant.
Genome position (GRCh38, 1-based): chr8:99,481,705, G>A. VCF-style: chr8-99481705-G-A. GRCh37 (hg19) VCF-style: chr8-100493933-G-A.
Other names: c.3773G>A, p.Gly1258Glu (NM_017890.5); short protein forms G1258E.
Identifiers: ClinVar variation 2421126 (VCV002421126.6), dbSNP rs1052184770, ClinGen allele CA182976696.